The following is an entry in ClinVar:

NM_004329.3(BMPR1A):c.1205T>G (p.Val402Gly)

Gene: BMPR1A (bone morphogenetic protein receptor type 1A; plus strand). Cytogenetic location: 10q23.2.
Variant type: single nucleotide variant.
Coding change: c.1205T>G on transcript NM_004329.3 (MANE Select); coding-DNA position 1205, T replaced by G.
Protein change: p.Val402Gly; replaces valine 402 with glycine.
Molecular consequence: missense variant. On other transcripts: non-coding transcript variant (3).
Genome position (GRCh38, 1-based): chr10:86,921,558, T>G. VCF-style: chr10-86921558-T-G. GRCh37 (hg19) VCF-style: chr10-88681315-T-G.
Other names: c.1205T>G, p.Val402Gly (NM_001406578.1, NM_001406579.1, NM_001406580.1 and 19 more transcripts); c.1199T>G, p.Val400Gly (NM_001406583.1); c.1121T>G, p.Val374Gly (NM_001406584.1, NM_001406585.1, NM_001406586.1 and 2 more transcripts); c.1280T>G, p.Val427Gly (NM_001406559.1); c.1253T>G, p.Val418Gly (NM_001406560.1); c.863T>G, p.Val288Gly (NM_001406589.1); short protein forms V374G, V288G, V400G, V418G, V427G, V402G.
Identifiers: ClinVar variation 4214388 (VCV004214388.3).

ClinVar aggregate classification (germline): Uncertain significance (1 of 4 stars; one submission).

Conditions:
Hereditary cancer-predisposing syndrome. Also called: Neoplastic Syndromes, Hereditary; Tumor predisposition; Hereditary Cancer Syndrome; Hereditary neoplastic syndrome. Identifiers: Orphanet 140162, MedGen C0027672, MeSH D009386, MONDO:0015356.

Submission:

Ambry Genetics
Classification: Uncertain significance for Hereditary cancer-predisposing syndrome. Last evaluated: 2026-08-19. Review status: criteria provided, single submitter. Criteria: Ambry Variant Classification Scheme 2023. Collection method: clinical testing. Allele origin: germline.
Comment: The p.V402G variant (also known as c.1205T>G), located in coding exon 9 of the BMPR1A gene, results from a T to G substitution at nucleotide position 1205. The valine at codon 402 is replaced by glycine, an amino acid with dissimilar properties. This amino acid position is highly conserved in available vertebrate species. In addition, this alteration is predicted to be deleterious by in silico analysis. Based on the available evidence, the clinical significance of this variant remains unclear.